The following is an entry in ClinVar:

NM_002519.3(NPAT):c.323G>T (p.Ser108Ile)

Gene: NPAT (nuclear protein, coactivator of histone transcription; minus strand). Cytogenetic location: 11q22.3.
Variant type: single nucleotide variant.
Coding change: c.323G>T on transcript NM_002519.3 (MANE Select); coding-DNA position 323, G replaced by T.
Protein change: p.Ser108Ile; replaces serine 108 with isoleucine.
Molecular consequence: missense variant.
Genome position (GRCh38, 1-based): chr11:108,190,468, C>A on the plus strand (G>T on the coding strand, the complement: NPAT is on the minus strand). VCF-style: chr11-108190468-C-A. GRCh37 (hg19) VCF-style: chr11-108061195-C-A.
Other names: c.323G>T, p.Ser108Ile (NM_001321307.1); short protein forms S108I.
Identifiers: ClinVar variation 3222581 (VCV003222581.1), dbSNP rs1591403134, ClinGen allele CA382526217.

ClinVar aggregate classification (germline): Uncertain significance (1 of 4 stars; one submission).

Submission:

Ambry Genetics
Classification: Uncertain significance. Last evaluated: 2024-01-08. Review status: criteria provided, single submitter. Criteria: Ambry Variant Classification Scheme 2023. Collection method: clinical testing. Allele origin: germline.
Comment: The p.S108I variant (also known as c.323G>T), located in coding exon 5 of the NPAT gene, results from a G to T substitution at nucleotide position 323. The serine at codon 108 is replaced by isoleucine, an amino acid with dissimilar properties. This amino acid position is conserved. In addition, this alteration is predicted to be tolerated by in silico analysis. Since supporting evidence is limited at this time, the clinical significance of this alteration remains unclear.